The following is an entry in ClinVar:

ClinVar aggregate classification (germline): Conflicting classifications of pathogenicity. Review status: criteria provided, conflicting classifications (1 of 4 stars). 2 submissions from 2 submitters: Likely pathogenic (1); Uncertain significance (1). Last evaluated 2023-02-14.

Conditions:
Autosomal recessive nonsyndromic hearing loss 30. Identifiers: Orphanet 90636, MedGen C1846784, MONDO:0011774, OMIM 607101.

Allele frequency attached by ClinVar (database versions not stated): ExAC 0.00001; gnomAD exomes 0.00001 and 0.00002; gnomAD 0.00002; TOPMed 0.00002.
gnomAD v4.1: 24 of 1,612,268 alleles (0.0015%); highest among the groups gnomAD compares: Non-Finnish European, 0.002%; no homozygotes.

Submissions (2):

Neuberg Centre For Genomic Medicine, NCGM
Classification: Likely pathogenic for Autosomal recessive nonsyndromic hearing loss 30. Last evaluated: 2023-02-14. Review status: criteria provided, single submitter. Criteria: ACMG Guidelines, 2015. Collection method: clinical testing. Allele origin: germline. Inheritance: Autosomal recessive inheritance. Affected: yes.
Comment: The stop gained variant c.2783C>G (p.Ser928Ter) in the MYO3A gene has not been reported previously as a pathogenic variant nor as a benign variant, to our knowledge. The variant has 0.001% allele frequency in gnomAD Exomes and is novel (not in any individuals) in 1000 Genomes. It has been submitted to ClinVar as Uncertain Significance. This variant is predicted to cause a loss of normal protein function through protein truncation. Loss of function variants has been previously reported to be disease causing (Walsh et al., 2011). For these reasons, this variant has been classified as Likely Pathogenic.

GeneDx
Classification: Uncertain significance. Last evaluated: 2021-01-12. Review status: criteria provided, single submitter. Criteria: GeneDx Variant Classification Process June 2021. Collection method: clinical testing. Allele origin: germline. Affected: yes.
Comment: Nonsense variant predicted to result in protein truncation or nonsense mediated decay in a gene for which loss-of-function is a known mechanism of disease; Has not been previously published as pathogenic or benign to our knowledge

NM_017433.5(MYO3A):c.2783C>G (p.Ser928Ter)

Gene: MYO3A (myosin IIIA; plus strand). Cytogenetic location: 10p12.1.
Variant type: single nucleotide variant.
Coding change: c.2783C>G on transcript NM_017433.5 (MANE Select); coding-DNA position 2783, C replaced by G.
Protein change: p.Ser928Ter; replaces serine 928 with a stop codon.
Molecular consequence: nonsense.
Genome position (GRCh38, 1-based): chr10:26,154,813, C>G. VCF-style: chr10-26154813-C-G. GRCh37 (hg19) VCF-style: chr10-26443742-C-G.
Other names: short protein forms S928*.
Identifiers: ClinVar variation 1314052 (VCV001314052.2), dbSNP rs778110879, ClinGen allele CA5445064.